The following is an entry in ClinVar:

NM_004055.5(CAPN5):c.1176C>T (p.Phe392=)

Gene: CAPN5 (calpain 5; plus strand). Cytogenetic location: 11q13.5.
Variant type: single nucleotide variant.
Coding change: c.1176C>T on transcript NM_004055.5 (MANE Select); coding-DNA position 1176, C replaced by T.
Protein change: p.Phe392=; no amino-acid change (phenylalanine 392 retained).
Molecular consequence: synonymous variant.
Genome position (GRCh38, 1-based): chr11:77,119,038, C>T. VCF-style: chr11-77119038-C-T. GRCh37 (hg19) VCF-style: chr11-76830084-C-T.
Other names: c.1176C>T (NM_004055.4).
Identifiers: ClinVar variation 1897858 (VCV001897858.6), dbSNP rs782154340, ClinGen allele CA6196719.

ClinVar aggregate classification (germline): Likely benign. Review status: criteria provided, single submitter (1 of 4 stars). 2 submissions from 2 submitters: Likely benign (1). 1 of the submissions does not count toward it. Last evaluated 2025-03-25.

Conditions:
CAPN5-related disorder. Also called: CAPN5-related condition.

Allele frequency attached by ClinVar (database versions not stated): gnomAD 0.00001; gnomAD exomes 0.00002; TOPMed 0.00002; ExAC 0.00013.
gnomAD v4.1: 39 of 1,612,878 alleles (0.0024%); highest among the groups gnomAD compares: Middle Eastern, 0.016%; 1 homozygote.

Submissions (2):

Labcorp Genetics (formerly Invitae), Labcorp
Classification: Likely benign. Last evaluated: 2025-03-25. Review status: criteria provided, single submitter. Criteria: Invitae Variant Classification Sherloc (09022015). Collection method: clinical testing. Allele origin: germline.

PreventionGenetics, part of Exact Sciences
Classification: Likely benign for CAPN5-related condition. Last evaluated: 2019-03-01. Review status: no assertion criteria provided. Collection method: clinical testing. Allele origin: germline. Not counted in ClinVar's aggregate classification.
Comment: This variant is classified as likely benign based on ACMG/AMP sequence variant interpretation guidelines (Richards et al. 2015 PMID: 25741868, with internal and published modifications).